The following is an entry in ClinVar:

ClinVar aggregate classification (germline): Pathogenic/Likely pathogenic. Review status: criteria provided, multiple submitters, no conflicts (2 of 4 stars). 2 submissions from 2 submitters: Pathogenic (1); Likely pathogenic (1). Last evaluated 2023-03-29.

Conditions:
Propionic acidemia (PROP). Also called: GLYCINEMIA, KETOTIC; HYPERGLYCINEMIA WITH KETOACIDOSIS AND LEUKOPENIA; KETOTIC HYPERGLYCINEMIA. Identifiers: Orphanet 35, MedGen C0268579, MONDO:0011628, OMIM 606054, HP:0003571.

Submissions (2):

Baylor Genetics
Classification: Likely pathogenic for Propionic acidemia. Last evaluated: 2023-03-29. Review status: criteria provided, single submitter. Criteria: ACMG Guidelines, 2015. Collection method: clinical testing. Allele origin: unknown.

Labcorp Genetics (formerly Invitae), Labcorp
Classification: Pathogenic for Propionic acidemia. Last evaluated: 2022-02-08. Review status: criteria provided, single submitter. Criteria: Invitae Variant Classification Sherloc (09022015). Collection method: clinical testing. Allele origin: germline.
Comment: For these reasons, this variant has been classified as Pathogenic. This variant has not been reported in the literature in individuals affected with PCCB-related conditions. This variant is not present in population databases (gnomAD no frequency). This sequence change creates a premature translational stop signal (p.Gln283*) in the PCCB gene. It is expected to result in an absent or disrupted protein product. Loss-of-function variants in PCCB are known to be pathogenic (PMID: 15464417).

Literature cited by the submitters: PubMed 15464417 (cited by Labcorp Genetics (formerly Invitae), Labcorp).

NM_000532.5(PCCB):c.847C>T (p.Gln283Ter)

Gene: PCCB (propionyl-CoA carboxylase subunit beta; plus strand). Cytogenetic location: 3q22.3.
Variant type: single nucleotide variant.
Coding change: c.847C>T on transcript NM_000532.5 (MANE Select); coding-DNA position 847, C replaced by T.
Protein change: p.Gln283Ter; replaces glutamine 283 with a stop codon.
Molecular consequence: nonsense.
Genome position (GRCh38, 1-based): chr3:136,298,035, C>T. VCF-style: chr3-136298035-C-T. GRCh37 (hg19) VCF-style: chr3-136016877-C-T.
Other names: c.907C>T, p.Gln303Ter (NM_001178014.2); short protein forms Q303*, Q283*.
Identifiers: ClinVar variation 2094596 (VCV002094596.5), dbSNP rs1934015542, ClinGen allele CA354644822.